The following is an entry in ClinVar:

NM_000337.6(SGCD):c.*3687A>G

Gene: SGCD (sarcoglycan delta; plus strand). Cytogenetic location: 5q33.3.
Variant type: single nucleotide variant.
Coding change: c.*3687A>G on transcript NM_000337.6 (MANE Select); 3687 bases downstream of the stop codon, A replaced by G.
Molecular consequence: 3 prime UTR variant.
Genome position (GRCh38, 1-based): chr5:156,763,077, A>G. VCF-style: chr5-156763077-A-G. GRCh37 (hg19) VCF-style: chr5-156190088-A-G.
Other names: c.*3687A>G (NM_001128209.2).
Identifiers: ClinVar variation 352374 (VCV000352374.9), dbSNP rs72803046, ClinGen allele CA10623859.

ClinVar aggregate classification (germline): Benign/Likely benign. Review status: criteria provided, multiple submitters, no conflicts (2 of 4 stars). 5 submissions from 4 submitters: Benign (2); Likely benign (3). Last evaluated 2023-02-08.

Conditions:
Autosomal recessive limb-girdle muscular dystrophy type 2F (LGMDR6). Also called: MUSCULAR DYSTROPHY, LIMB-GIRDLE, AUTOSOMAL RECESSIVE 6; Muscular dystrophy limb-girdle with delta-sarcoglyan deficiency. Identifiers: Orphanet 219, MedGen C1832525, MONDO:0011028, OMIM 601287. Disease mechanism: Affects gamma-sarcoglycan and also disrupts the integrity of the entire sarcoglycan complex..
Qualitative or quantitative defects of delta-sarcoglycan. Identifiers: Orphanet 207070, MedGen C5680806, MONDO:0016144.
Dilated cardiomyopathy 1L (CMD1L). Identifiers: Orphanet 154, MedGen C1847667, MONDO:0011702, OMIM 606685.

Allele frequency attached by ClinVar (database versions not stated): gnomAD exomes 0.04167; gnomAD 0.08005 and 0.08194; TOPMed 0.08920; 1000 Genomes Project 0.09545; 1000 Genomes Project 30x 0.09822.
gnomAD v4.1: 12,162 of 152,670 alleles (8%); highest among the groups gnomAD compares: African/African-American, 17%; 781 homozygotes.

Submissions (5):

Genome-Nilou Lab
Classification: Likely benign for Autosomal recessive limb-girdle muscular dystrophy type 2F. Last evaluated: 2023-02-08. Review status: criteria provided, single submitter. Criteria: ACMG Guidelines, 2015. Collection method: clinical testing. Allele origin: germline.

Genome-Nilou Lab
Classification: Likely benign for Dilated cardiomyopathy 1L. Last evaluated: 2023-02-08. Review status: criteria provided, single submitter. Criteria: ACMG Guidelines, 2015. Collection method: clinical testing. Allele origin: germline.

GeneDx
Classification: Benign. Last evaluated: 2021-05-20. Review status: criteria provided, single submitter. Criteria: GeneDx Variant Classification Process June 2021. Collection method: clinical testing. Allele origin: germline. Affected: yes.

Illumina Laboratory Services, Illumina
Classification: Benign for Qualitative or quantitative defects of delta-sarcoglycan. Last evaluated: 2018-01-13. Review status: criteria provided, single submitter. Criteria: ICSL Variant Classification Criteria 13 December 2019. Collection method: clinical testing. Allele origin: germline.
Comment: This variant was observed in the ICSL laboratory as part of a predisposition screen in an ostensibly healthy population. It had not been previously curated by ICSL or reported in the Human Gene Mutation Database (HGMD: prior to June 1st, 2018), and was therefore a candidate for classification through an automated scoring system. Utilizing variant allele frequency, disease prevalence and penetrance estimates, and inheritance mode, an automated score was calculated to assess if this variant is too frequent to cause the disease. Based on the score and internal cut-off values, a variant classified as benign is not then subjected to further curation. The score for this variant resulted in a classification of benign for this disease.

Breakthrough Genomics
Classification: Likely benign. Review status: criteria provided, single submitter. Criteria: ACMG Guidelines, 2015. Collection method: not provided. Allele origin: germline. Inheritance: Autosomal recessive inheritance. Affected: yes.